The following is an entry in ClinVar:

ClinVar aggregate classification (germline): Uncertain significance (1 of 4 stars; one submission).

Conditions:
Werner syndrome (WRN). Identifiers: Orphanet 902, MedGen C0043119, MONDO:0010196, OMIM 277700.

Allele frequency attached by ClinVar (database versions not stated): gnomAD 0.00001; TOPMed 0.00001.
gnomAD v4.1: 2 of 1,613,948 alleles (0.00012%); highest among the groups gnomAD compares: Admixed American, 0.0017%; no homozygotes.

Submission:

Labcorp Genetics (formerly Invitae), Labcorp
Classification: Uncertain significance for Werner syndrome. Last evaluated: 2022-10-08. Review status: criteria provided, single submitter. Criteria: Invitae Variant Classification Sherloc (09022015). Collection method: clinical testing. Allele origin: germline.
Comment: This sequence change replaces serine, which is neutral and polar, with leucine, which is neutral and non-polar, at codon 1327 of the WRN protein (p.Ser1327Leu). This variant is not present in population databases (gnomAD no frequency). This variant has not been reported in the literature in individuals affected with WRN-related conditions. Algorithms developed to predict the effect of missense changes on protein structure and function are either unavailable or do not agree on the potential impact of this missense change (SIFT: "Not Available"; PolyPhen-2: "Probably Damaging"; Align-GVGD: "Not Available"). In summary, the available evidence is currently insufficient to determine the role of this variant in disease. Therefore, it has been classified as a Variant of Uncertain Significance.

NM_000553.6(WRN):c.3980C>T (p.Ser1327Leu)

Gene: WRN (WRN RecQ like helicase; plus strand). Cytogenetic location: 8p12.
Variant type: single nucleotide variant.
Coding change: c.3980C>T on transcript NM_000553.6 (MANE Select); coding-DNA position 3980, C replaced by T.
Protein change: p.Ser1327Leu; replaces serine 1327 with leucine.
Molecular consequence: missense variant.
Genome position (GRCh38, 1-based): chr8:31,157,528, C>T. VCF-style: chr8-31157528-C-T. GRCh37 (hg19) VCF-style: chr8-31015044-C-T.
Other names: short protein forms S1327L.
Identifiers: ClinVar variation 2047693 (VCV002047693.1), dbSNP rs1340179702, ClinGen allele CA370929754.